The following is an entry in ClinVar:

ClinVar aggregate classification (germline): Uncertain significance (1 of 4 stars; one submission).

Submission:

Ambry Genetics
Classification: Uncertain significance. Last evaluated: 2023-02-16. Review status: criteria provided, single submitter. Criteria: Ambry Variant Classification Scheme 2023. Collection method: clinical testing. Allele origin: germline.
Comment: The p.E967Q variant (also known as c.2899G>C), located in coding exon 1 of the MLH3 gene, results from a G to C substitution at nucleotide position 2899. The glutamic acid at codon 967 is replaced by glutamine, an amino acid with highly similar properties. This amino acid position is conserved. In addition, this alteration is predicted to be tolerated by in silico analysis. Since supporting evidence is limited at this time, the clinical significance of this alteration remains unclear.

NM_001040108.2(MLH3):c.2899G>C (p.Glu967Gln)

Gene: MLH3 (mutL homolog 3; minus strand). Cytogenetic location: 14q24.3.
Variant type: single nucleotide variant.
Coding change: c.2899G>C on transcript NM_001040108.2 (MANE Select); coding-DNA position 2899, G replaced by C.
Protein change: p.Glu967Gln; replaces glutamic acid 967 with glutamine.
Molecular consequence: missense variant.
Genome position (GRCh38, 1-based): chr14:75,046,757, C>G on the plus strand (G>C on the coding strand, the complement: MLH3 is on the minus strand). VCF-style: chr14-75046757-C-G. GRCh37 (hg19) VCF-style: chr14-75513460-C-G.
Other names: c.2899G>C, p.Glu967Gln (NM_014381.3); short protein forms E967Q.
Identifiers: ClinVar variation 2448666 (VCV002448666.2), dbSNP rs1595083715, ClinGen allele CA390437685.